The following is an entry in ClinVar:

NM_001211.6(BUB1B):c.1453G>C (p.Glu485Gln)

Gene: BUB1B (BUB1 mitotic checkpoint serine/threonine kinase B; plus strand). Cytogenetic location: 15q15.1.
Variant type: single nucleotide variant.
Coding change: c.1453G>C on transcript NM_001211.6 (MANE Select); coding-DNA position 1453, G replaced by C.
Protein change: p.Glu485Gln; replaces glutamic acid 485 with glutamine.
Molecular consequence: missense variant.
Genome position (GRCh38, 1-based): chr15:40,200,295, G>C. VCF-style: chr15-40200295-G-C. GRCh37 (hg19) VCF-style: chr15-40492496-G-C.
Other names: short protein forms E485Q.
Identifiers: ClinVar variation 1773005 (VCV001773005.3), dbSNP rs770704003, ClinGen allele CA268794368.
Genomic context (GRCh38, chr15:40,200,295, plus strand): 5'-TGCAAACAGCAAGAAGAGACGATGCCTACAAAGGAGACAACTAAACTGCAAATTGCTTCC[G>C]AGTCTCAGAAAATACCAGGAATGACTCTATCCAGTTCTGTTTGTCAAGTAAACTGTTGTG-3'
Protein context (NP_001202.5, residues 475-495): KETTKLQIAS[Glu485Gln]SQKIPGMTLS

ClinVar aggregate classification (germline): Uncertain significance (1 of 4 stars; one submission).

Conditions:
Inborn genetic diseases. Identifiers: MedGen C0950123, MeSH D030342.

gnomAD v4.1: 3 of 1,613,784 alleles (0.00019%); highest among the groups gnomAD compares: Admixed American, 0.0033%; no homozygotes.

Submission:

Ambry Genetics
Classification: Uncertain significance for Inborn genetic diseases. Last evaluated: 2023-09-14. Review status: criteria provided, single submitter. Criteria: Ambry Variant Classification Scheme 2023. Collection method: clinical testing. Allele origin: germline.
Comment: The p.E485Q variant (also known as c.1453G>C), located in coding exon 11 of the BUB1B gene, results from a G to C substitution at nucleotide position 1453. The glutamic acid at codon 485 is replaced by glutamine, an amino acid with highly similar properties. This amino acid position is conserved. In addition, this alteration is predicted to be tolerated by in silico analysis. Since supporting evidence is limited at this time, the clinical significance of this alteration remains unclear.